The following is an entry in ClinVar:

ClinVar aggregate classification (germline): Likely benign. Review status: criteria provided, multiple submitters, no conflicts (2 of 4 stars). 2 submissions from 2 submitters: Likely benign (2). Last evaluated 2026-01-26.

Conditions:
Deficiency of alpha-mannosidase (MANSA). Also called: Alpha-Mannosidosis; Mannosidosis, alpha-, types I and II; LYSOSOMAL ALPHA-D-MANNOSIDASE DEFICIENCY. Identifiers: Orphanet 61, MedGen C0024748, MONDO:0009561, OMIM 248500.

Allele frequency attached by ClinVar (database versions not stated): gnomAD exomes 0.00001; gnomAD 0.00003 and 0.00004; TOPMed 0.00003.
gnomAD v4.1: 17 of 1,613,940 alleles (0.0011%); highest among the groups gnomAD compares: Admixed American, 0.0017%; no homozygotes.

Submissions (2):

Labcorp Genetics (formerly Invitae), Labcorp
Classification: Likely benign for Deficiency of alpha-mannosidase. Last evaluated: 2026-01-26. Review status: criteria provided, single submitter. Criteria: Invitae Variant Classification Sherloc (09022015). Collection method: clinical testing. Allele origin: germline.

CeGaT Center for Human Genetics Tuebingen
Classification: Likely benign. Last evaluated: 2024-11-01. Review status: criteria provided, single submitter. Criteria: CeGaT Center For Human Genetics Tuebingen Variant Classification Criteria Version 2. Collection method: clinical testing. Allele origin: germline. Affected: yes. Observed: 1 variant allele.
Comment: MAN2B1: BP4, BP7

NM_000528.4(MAN2B1):c.552C>A (p.Gly184=)

Gene: MAN2B1 (mannosidase alpha class 2B member 1; minus strand). Cytogenetic location: 19p13.13.
Variant type: single nucleotide variant.
Coding change: c.552C>A on transcript NM_000528.4 (MANE Select); coding-DNA position 552, C replaced by A.
Protein change: p.Gly184=; no amino-acid change (glycine 184 retained).
Molecular consequence: synonymous variant.
Genome position (GRCh38, 1-based): chr19:12,664,870, G>T on the plus strand (C>A on the coding strand, the complement: MAN2B1 is on the minus strand). VCF-style: chr19-12664870-G-T. GRCh37 (hg19) VCF-style: chr19-12775684-G-T.
Other names: c.552C>A, p.Gly184= (NM_001173498.2).
Identifiers: ClinVar variation 1149433 (VCV001149433.23), dbSNP rs993605117, ClinGen allele CA305478510.